The following is an entry in ClinVar:

NC_000001.10:g.(120529706_120539619)_(120612277_?)del

Gene: NOTCH2 (notch receptor 2; minus strand). Cytogenetic location: 1p12-11.2.
Variant type: Deletion.
Identifiers: ClinVar variation 3907253 (VCV003907253.1).

ClinVar aggregate classification (germline): Uncertain significance (1 of 4 stars; one submission).

Submission:

Women's Health and Genetics/Laboratory Corporation of America, LabCorp
Classification: Uncertain significance. Last evaluated: 2025-06-10. Review status: criteria provided, single submitter. Criteria: LabCorp Variant Classification Summary - May 2015. Collection method: clinical testing. Allele origin: germline.
Comment: Variant summary: The variant involves the deletion of exons 1-4 in the NOTCH2 gene. A presumed nomenclature of c.(?_-257)_(751+1_752-1)del has been designated for the purposes of this classification. The exact breakpoint at the 5' end of this variant is unknown, therefore this deletion may extend upstream of the annotated region of this gene. Although the exact breakpoints of this deletion are not known, it is predicted to remove the initiation codon and result in an absence of protein or a truncation of the encoded protein due to translation initiation at a downstream site. Current evidence is not sufficient to establish loss of function as a mechanism for disease. The variant was absent in 21694 control chromosomes. The available data on variant occurrences in the general population are insufficient to allow any conclusion about variant significance. To our knowledge, no occurrence of c.(?_-257)_(751+1_752-1)del in individuals affected with Hajdu-Cheney Syndrome and no experimental evidence demonstrating its impact on protein function have been reported. ClinVar contains an entry for a variant similar to this change (Variation ID: 153567). Based on the evidence outlined above, the variant was classified as uncertain significance.